The following is an entry in ClinVar:

ClinVar aggregate classification (germline): Pathogenic. Review status: criteria provided, multiple submitters, no conflicts (2 of 4 stars). 2 submissions from 2 submitters: Pathogenic (2). Last evaluated 2023-04-16.

Conditions:
Hereditary hemorrhagic telangiectasia (HHT). Also called: ORW DISEASE; Osler Weber Rendu syndrome; OSLER-RENDU-WEBER DISEASE; Osler hemorrhagic telangiectasia syndrome. Identifiers: Orphanet 774, MedGen C0039445, MONDO:0019180. Disease mechanism: loss of function.
Cardiovascular phenotype. Identifiers: MedGen CN230736.

Submissions (2):

Labcorp Genetics (formerly Invitae), Labcorp
Classification: Pathogenic for Hereditary hemorrhagic telangiectasia. Last evaluated: 2023-04-16. Review status: criteria provided, single submitter. Criteria: Invitae Variant Classification Sherloc (09022015). Collection method: clinical testing. Allele origin: germline.
Comment: This variant is not present in population databases (gnomAD no frequency). For these reasons, this variant has been classified as Pathogenic. ClinVar contains an entry for this variant (Variation ID: 1388249). This variant has not been reported in the literature in individuals affected with ENG-related conditions. This sequence change creates a premature translational stop signal (p.Glu79*) in the ENG gene. It is expected to result in an absent or disrupted protein product. Loss-of-function variants in ENG are known to be pathogenic (PMID: 15879500).

Ambry Genetics
Classification: Pathogenic for Cardiovascular phenotype. Last evaluated: 2017-05-11. Review status: criteria provided, single submitter. Criteria: Ambry Variant Classification Scheme 2023. Collection method: clinical testing. Allele origin: germline.
Comment: The p.E79* pathogenic mutation (also known as c.235G>T), located in coding exon 3 of the ENG gene, results from a G to T substitution at nucleotide position 235. This changes the amino acid from a glutamic acid to a stop codon within coding exon 3. This alteration is expected to result in loss of function by premature protein truncation or nonsense-mediated mRNA decay. As such, this alteration is interpreted as a disease-causing mutation.

Literature cited by the submitters: PubMed 15879500 (cited by Labcorp Genetics (formerly Invitae), Labcorp).

NM_001114753.3(ENG):c.235G>T (p.Glu79Ter)

Gene: ENG (endoglin; minus strand). Cytogenetic location: 9q34.11.
Variant type: single nucleotide variant.
Coding change: c.235G>T on transcript NM_001114753.3 (MANE Select); coding-DNA position 235, G replaced by T.
Protein change: p.Glu79Ter; replaces glutamic acid 79 with a stop codon.
Molecular consequence: nonsense. On other transcripts: 5 prime UTR variant (1).
Genome position (GRCh38, 1-based): chr9:127,829,812, C>A on the plus strand (G>T on the coding strand, the complement: ENG is on the minus strand). VCF-style: chr9-127829812-C-A. GRCh37 (hg19) VCF-style: chr9-130592091-C-A.
Other names: c.235G>T, p.Glu79Ter (NM_000118.4, NM_001406715.1); c.-312G>T (NM_001278138.2); short protein forms E79*.
Identifiers: ClinVar variation 1388249 (VCV001388249.9), dbSNP rs763992842, ClinGen allele CA374986395.
Genomic context (GRCh38, chr9:127,829,812, plus strand): 5'-GGACCAGAAGCACCTCTCGGGGCCAGGTGCCATTTTGCTTGGATGCCTGGAGAGTCAGCT[C>A]CAGCTGTGACGGGCCCTGGGGGACACAGAGGAGAGACACACACAGTCCAGTCAGATTTGT-3'